The following is an entry in ClinVar:

NM_005257.6(GATA6):c.1754G>A (p.Arg585Gln)

Gene: GATA6 (GATA binding protein 6; plus strand). Cytogenetic location: 18q11.2.
Variant type: single nucleotide variant.
Coding change: c.1754G>A on transcript NM_005257.6 (MANE Select); coding-DNA position 1754, G replaced by A.
Protein change: p.Arg585Gln; replaces arginine 585 with glutamine.
Molecular consequence: missense variant.
Genome position (GRCh38, 1-based): chr18:22,200,789, G>A. VCF-style: chr18-22200789-G-A. GRCh37 (hg19) VCF-style: chr18-19780752-G-A.
Other names: c.1754G>A (NM_005257.3); short protein forms R585Q.
Identifiers: ClinVar variation 959399 (VCV000959399.10), dbSNP rs201707559, ClinGen allele CA401803274.

ClinVar aggregate classification (germline): Uncertain significance. Review status: criteria provided, multiple submitters, no conflicts (2 of 4 stars). 2 submissions from 2 submitters: Uncertain significance (2). Last evaluated 2026-03-23.

Conditions:
Inborn genetic diseases. Identifiers: MedGen C0950123, MeSH D030342.
Atrioventricular septal defect 5 (AVSD5). Identifiers: MedGen C3280939, MONDO:0013769, OMIM 614474.

Submissions (2):

Ambry Genetics
Classification: Uncertain significance for Inborn genetic diseases. Last evaluated: 2026-03-23. Review status: criteria provided, single submitter. Criteria: Ambry Variant Classification Scheme 2023. Collection method: clinical testing. Allele origin: germline.

Labcorp Genetics (formerly Invitae), Labcorp
Classification: Uncertain significance for Atrioventricular septal defect 5. Last evaluated: 2019-08-06. Review status: criteria provided, single submitter. Criteria: Invitae Variant Classification Sherloc (09022015). Collection method: clinical testing. Allele origin: germline.
Comment: In summary, the available evidence is currently insufficient to determine the role of this variant in disease. Therefore, it has been classified as a Variant of Uncertain Significance. Algorithms developed to predict the effect of missense changes on protein structure and function are either unavailable or do not agree on the potential impact of this missense change (SIFT: "Tolerated"; PolyPhen-2: "Probably Damaging"; Align-GVGD: "Class C0"). This variant has not been reported in the literature in individuals with GATA6-related conditions. This variant is not present in population databases (ExAC no frequency). This sequence change replaces arginine with glutamine at codon 585 of the GATA6 protein (p.Arg585Gln). The arginine residue is moderately conserved and there is a small physicochemical difference between arginine and glutamine.